The following is an entry in ClinVar:

ClinVar aggregate classification (germline): Uncertain significance (1 of 4 stars; one submission).

Allele frequency attached by ClinVar (database versions not stated): gnomAD exomes below 0.00001 and 0.00001.
gnomAD v4.1: 2 of 1,589,036 alleles (0.00013%); highest among the groups gnomAD compares: Non-Finnish European, 0.00017%; no homozygotes.

Submission:

Labcorp Genetics (formerly Invitae), Labcorp
Classification: Uncertain significance. Last evaluated: 2020-02-26. Review status: criteria provided, single submitter. Criteria: Invitae Variant Classification Sherloc (09022015). Collection method: clinical testing. Allele origin: germline.
Comment: In summary, the available evidence is currently insufficient to determine the role of this variant in disease. Therefore, it has been classified as a Variant of Uncertain Significance. Algorithms developed to predict the effect of missense changes on protein structure and function (SIFT, PolyPhen-2, Align-GVGD) all suggest that this variant is likely to be tolerated, but these predictions have not been confirmed by published functional studies and their clinical significance is uncertain. This variant has not been reported in the literature in individuals with FSCN2-related conditions. This variant is not present in population databases (ExAC no frequency). This sequence change replaces glutamic acid with lysine at codon 73 of the FSCN2 protein (p.Glu73Lys). The glutamic acid residue is moderately conserved and there is a small physicochemical difference between glutamic acid and lysine.

NM_012418.4(FSCN2):c.217G>A (p.Glu73Lys)

Gene: FSCN2 (fascin actin-bundling protein 2, retinal; plus strand). Cytogenetic location: 17q25.3.
Variant type: single nucleotide variant.
Coding change: c.217G>A on transcript NM_012418.4 (MANE Select); coding-DNA position 217, G replaced by A.
Protein change: p.Glu73Lys; replaces glutamic acid 73 with lysine.
Molecular consequence: missense variant.
Genome position (GRCh38, 1-based): chr17:81,528,748, G>A. VCF-style: chr17-81528748-G-A. GRCh37 (hg19) VCF-style: chr17-79495774-G-A.
Other names: c.217G>A, p.Glu73Lys (NM_001077182.3); short protein forms E73K.
Identifiers: ClinVar variation 1047710 (VCV001047710.9), dbSNP rs1555670589, ClinGen allele CA401470299.
Genomic context (GRCh38, chr17:81,528,748, plus strand): 5'-GGACAAGGCACGGCTGTGCTGCTCCGCAGCAGCCACCTGGGCCGCTACCTGTCGGCAGAA[G>A]AGGACGGGCGCGTGGCCTGTGAGGCAGAGCAGCCGGGCCGTGACTGCCGCTTCCTGGTCC-3'
Protein context (NP_036550.1, residues 63-83): SHLGRYLSAE[Glu73Lys]DGRVACEAEQ